The following is an entry in ClinVar:

ClinVar aggregate classification (germline): Uncertain significance (1 of 4 stars; one submission).

Allele frequency attached by ClinVar (database versions not stated): gnomAD exomes below 0.00001.
gnomAD v4.1: 2 of 1,613,778 alleles (0.00012%); highest among the groups gnomAD compares: Non-Finnish European, 0.00017%; no homozygotes.

Submission:

Ambry Genetics
Classification: Uncertain significance. Last evaluated: 2023-07-04. Review status: criteria provided, single submitter. Criteria: Ambry Variant Classification Scheme 2023. Collection method: clinical testing. Allele origin: germline.
Comment: The p.F2094L variant (also known as c.6280T>C), located in coding exon 20 of the POLQ gene, results from a T to C substitution at nucleotide position 6280. The phenylalanine at codon 2094 is replaced by leucine, an amino acid with highly similar properties. This amino acid position is conserved. In addition, this alteration is predicted to be tolerated by in silico analysis. Since supporting evidence is limited at this time, the clinical significance of this alteration remains unclear.

NM_199420.4(POLQ):c.6280T>C (p.Phe2094Leu)

Gene: POLQ (DNA polymerase theta; minus strand). Cytogenetic location: 3q13.33.
Variant type: single nucleotide variant.
Coding change: c.6280T>C on transcript NM_199420.4 (MANE Select); coding-DNA position 6280, T replaced by C.
Protein change: p.Phe2094Leu; replaces phenylalanine 2094 with leucine.
Molecular consequence: missense variant.
Genome position (GRCh38, 1-based): chr3:121,476,665, A>G on the plus strand (T>C on the coding strand, the complement: POLQ is on the minus strand). VCF-style: chr3-121476665-A-G. GRCh37 (hg19) VCF-style: chr3-121195512-A-G.
Other names: short protein forms F2094L.
Identifiers: ClinVar variation 2625823 (VCV002625823.2), dbSNP rs1359676610, ClinGen allele CA354087051.
Genomic context (GRCh38, chr3:121,476,665, plus strand): 5'-CAATTGCATCCAGCTTGGCTTGCATTATATGTTTCTGACTTTCACATTCTGCAGTACTAA[A>G]GCCAATTCCATTTAGTTCTAGCAAGGCCAAGCAGTACTGAGAGGGCATTTCCACCTTACG-3'
Protein context (NP_955452.3, residues 2084-2104): LALLELNGIG[Phe2094Leu]STAECESQKH